The following is an entry in ClinVar:

NM_004385.5(VCAN):c.7204C>G (p.Leu2402Val)

Genes: VCAN (versican; plus strand), VCAN-AS1 (VCAN antisense RNA 1; minus strand). Cytogenetic location: 5q14.3.
Variant type: single nucleotide variant.
Coding change: c.7204C>G on transcript NM_004385.5 (MANE Select); coding-DNA position 7204, C replaced by G.
Protein change: p.Leu2402Val; replaces leucine 2402 with valine.
Molecular consequence: missense variant. On other transcripts: intron variant (2).
Genome position (GRCh38, 1-based): chr5:83,540,207, C>G. VCF-style: chr5-83540207-C-G. GRCh37 (hg19) VCF-style: chr5-82836026-C-G.
Other names: c.4243C>G, p.Leu1415Val (NM_001164097.2); c.4004-5330C>G (NM_001164098.2); c.1043-5330C>G (NM_001126336.3); short protein forms L1415V, L2402V.
Identifiers: ClinVar variation 1045648 (VCV001045648.8), dbSNP rs1746913129, ClinGen allele CA360314235.

ClinVar aggregate classification (germline): Uncertain significance (1 of 4 stars; one submission).

Allele frequency attached by ClinVar (database versions not stated): gnomAD 0.00001.
gnomAD v4.1: 1 of 1,613,956 alleles (0.000062%); highest among the groups gnomAD compares: Non-Finnish European, 0.000085%; no homozygotes.

Submission:

Labcorp Genetics (formerly Invitae), Labcorp
Classification: Uncertain significance. Last evaluated: 2023-12-18. Review status: criteria provided, single submitter. Criteria: Invitae Variant Classification Sherloc (09022015). Collection method: clinical testing. Allele origin: germline.
Comment: This sequence change replaces leucine, which is neutral and non-polar, with valine, which is neutral and non-polar, at codon 2402 of the VCAN protein (p.Leu2402Val). This variant is not present in population databases (gnomAD no frequency). This variant has not been reported in the literature in individuals affected with VCAN-related conditions. ClinVar contains an entry for this variant (Variation ID: 1045648). Algorithms developed to predict the effect of missense changes on protein structure and function output the following: SIFT: "Not Available"; PolyPhen-2: "Benign"; Align-GVGD: "Not Available". The valine amino acid residue is found in multiple mammalian species, which suggests that this missense change does not adversely affect protein function. In summary, the available evidence is currently insufficient to determine the role of this variant in disease. Therefore, it has been classified as a Variant of Uncertain Significance.